The following is an entry in ClinVar:

ClinVar aggregate classification (germline): Uncertain significance (1 of 4 stars; one submission).

Allele frequency attached by ClinVar (database versions not stated): gnomAD exomes below 0.00001; gnomAD 0.00001.
gnomAD v4.1: 5 of 1,613,652 alleles (0.00031%); highest among the groups gnomAD compares: Middle Eastern, 0.016%; no homozygotes.

Submission:

Labcorp Genetics (formerly Invitae), Labcorp
Classification: Uncertain significance. Last evaluated: 2024-10-24. Review status: criteria provided, single submitter. Criteria: Invitae Variant Classification Sherloc (09022015). Collection method: clinical testing. Allele origin: germline.
Comment: This sequence change replaces isoleucine, which is neutral and non-polar, with valine, which is neutral and non-polar, at codon 204 of the NBAS protein (p.Ile204Val). This variant is present in population databases (no rsID available, gnomAD 0.0009%). This variant has not been reported in the literature in individuals affected with NBAS-related conditions. ClinVar contains an entry for this variant (Variation ID: 2422087). Invitae Evidence Modeling of protein sequence and biophysical properties (such as structural, functional, and spatial information, amino acid conservation, physicochemical variation, residue mobility, and thermodynamic stability) indicates that this missense variant is not expected to disrupt NBAS protein function with a negative predictive value of 95%. In summary, the available evidence is currently insufficient to determine the role of this variant in disease. Therefore, it has been classified as a Variant of Uncertain Significance.

NM_015909.4(NBAS):c.610A>G (p.Ile204Val)

Gene: NBAS (NBAS subunit of NRZ tethering complex; minus strand). Cytogenetic location: 2p24.3.
Variant type: single nucleotide variant.
Coding change: c.610A>G on transcript NM_015909.4 (MANE Select); coding-DNA position 610, A replaced by G.
Protein change: p.Ile204Val; replaces isoleucine 204 with valine.
Molecular consequence: missense variant. On other transcripts: non-coding transcript variant (1).
Genome position (GRCh38, 1-based): chr2:15,536,455, T>C on the plus strand (A>G on the coding strand, the complement: NBAS is on the minus strand). VCF-style: chr2-15536455-T-C. GRCh37 (hg19) VCF-style: chr2-15676579-T-C.
Other names: short protein forms I204V.
Identifiers: ClinVar variation 2422087 (VCV002422087.4), dbSNP rs1444209031, ClinGen allele CA345886084.
Genomic context (GRCh38, chr2:15,536,455, plus strand): 5'-TGGCTTCCAAAGCACATTTTTACCTTACAAGGTAACTTCTAAGTTCTCCTCGGTAATTGA[T>C]GACCAGGAGTTCTGCAGACCACTGTGCACTTGCTTTATATTCTAAAAATATCAACCCAGC-3'
Protein context (NP_056993.2, residues 194-214): SAQWSAELLV[Ile204Val]NYRGELRSYL